The following is an entry in ClinVar:

NM_005859.5(PURA):c.572C>T (p.Pro191Leu)

Gene: PURA (purine rich element binding protein A; plus strand). Cytogenetic location: 5q31.3.
Variant type: single nucleotide variant.
Coding change: c.572C>T on transcript NM_005859.5 (MANE Select); coding-DNA position 572, C replaced by T.
Protein change: p.Pro191Leu; replaces proline 191 with leucine.
Molecular consequence: missense variant.
Genome position (GRCh38, 1-based): chr5:140,114,753, C>T. VCF-style: chr5-140114753-C-T. GRCh37 (hg19) VCF-style: chr5-139494338-C-T.
Other names: short protein forms P191L.
Identifiers: ClinVar variation 421477 (VCV000421477.8), dbSNP rs1064795165, ClinGen allele CA16618127.
Genomic context (GRCh38, chr5:140,114,753, plus strand): 5'-GCCAGACGGTCAACCGGGGGCCTGGCCTGGGCTCCACGCAGGGCCAGACCATTGCGCTGC[C>T]CGCGCAGGGGCTCATCGAGTTCCGTGACGCTCTGGCCAAGCTCATCGACGACTACGGAGT-3'
Protein context (NP_005850.1, residues 181-201): GSTQGQTIAL[Pro191Leu]AQGLIEFRDA

ClinVar aggregate classification (germline): Pathogenic/Likely pathogenic. Review status: criteria provided, multiple submitters, no conflicts (2 of 4 stars). 3 submissions from 3 submitters: Pathogenic (1); Likely pathogenic (2). Last evaluated 2022-06-24.

Conditions:
PURA-related severe neonatal hypotonia-seizures-encephalopathy syndrome due to a point mutation. Identifiers: Orphanet 438216, MedGen CN924912, MONDO:0014512.
Inborn genetic diseases. Identifiers: MedGen C0950123, MeSH D030342.

Submissions (3):

Victorian Clinical Genetics Services, Murdoch Childrens Research Institute
Classification: Pathogenic for PURA-related severe neonatal hypotonia-seizures-encephalopathy syndrome due to a point mutation. Last evaluated: 2022-06-24. Review status: criteria provided, single submitter. Criteria: ACMG Guidelines, 2015. Collection method: clinical testing. Allele origin: germline. Inheritance: Autosomal dominant inheritance. Affected: yes.
Comment: Based on the classification scheme VCGS_Germline_v1.3.4, this variant is classified as Pathogenic. Following criteria are met: 0102 - Loss of function is likely a mechanism of disease in this gene and is associated with neurodevelopmental disorder with neonatal respiratory insufficiency, hypotonia, and feeding difficulties (MIM#616158; PMID: 28448108). (I) 0107 - This gene is associated with autosomal dominant disease. (I) 0115 - Variants in this gene are known to have variable expressivity (PMID: 29097605). (I) 0200 - Variant is predicted to result in a missense amino acid change from proline to leucine. (I) 0251 - This variant is heterozygous. (I) 0301 - Variant is absent from gnomAD (both v2 and v3). (SP) 0502 - Missense variant with conflicting in silico predictions and high conservation. (I) 0603 - Missense variant in a region that is highly intolerant to missense variation (high constraint region in DECIPHER). (SP) 0705 - No comparable missense variants have previous evidence for pathogenicity. (I) 0802 - This variant has moderate previous evidence of pathogenicity in unrelated individuals. This variant has been classified as likely pathogenic by two clinical laboratories in ClinVar and observed as de novo in an individual with severe intellectual disability (DECIPHER, PMID: 29097605). (SP) 0905 - No published segregation evidence has been identified for this variant. (I) 1007 - No published functional evidence has been identified for this variant. (I) 1208 - Inheritance information for this variant is not currently available in this individual. (I) Legend: (SP) - Supporting pathogenic, (I) - Information, (SB) - Supporting benign

Ambry Genetics
Classification: Likely pathogenic for Inborn genetic diseases. Last evaluated: 2019-03-18. Review status: criteria provided, single submitter. Criteria: Ambry exome assertion method (8-5-2015). Collection method: clinical testing. Allele origin: germline. Affected: yes. Observed: 1 variant allele.

GeneDx
Classification: Likely pathogenic. Last evaluated: 2016-06-14. Review status: criteria provided, single submitter. Criteria: GeneDx Variant Classification (06012015). Collection method: clinical testing. Allele origin: germline. Affected: yes.
Comment: The P191L variant in the PURA gene has not been reported previously as a pathogenic variant, nor as a benign variant, to our knowledge. The P191L variant was not observed in approximately 6500 individuals of European and African American ancestry in the NHLBI Exome Sequencing Project, indicating it is not a common benign variant in these populations. The P191L variant is a semi-conservative amino acid substitution, which may impact secondary protein structure as these residues differ in some properties. This substitution occurs at a position that is conserved across species and in silico analysis predicts this variant is probably damaging to the protein structure/function. Therefore, we interpret P191L as a likely pathogenic variant.

Literature cited by the submitters: PubMed 28448108 (cited by Victorian Clinical Genetics Services, Murdoch Childrens Research Institute); PubMed 29097605 (cited by Victorian Clinical Genetics Services, Murdoch Childrens Research Institute and Ambry Genetics).